The following is an entry in ClinVar:

NM_014989.7(RIMS1):c.4720+10A>G

Gene: RIMS1 (regulating synaptic membrane exocytosis 1; plus strand). Cytogenetic location: 6q13.
Variant type: single nucleotide variant.
Coding change: c.4720+10A>G on transcript NM_014989.7 (MANE Select); 10 bases into the intron after coding-DNA position 4720, A replaced by G.
Molecular consequence: intron variant.
Genome position (GRCh38, 1-based): chr6:72,398,360, A>G. VCF-style: chr6-72398360-A-G. GRCh37 (hg19) VCF-style: chr6-73108062-A-G.
Other names: c.2098+10A>G (NM_001350428.2); c.2542+10A>G (NM_001350459.2); c.2026+10A>G (NM_001350424.2); c.2623+10A>G (NM_001350437.2); c.2095+10A>G (NM_001350430.2, NM_001168408.2); c.2539+10A>G (NM_001350421.2); c.2023+10A>G (NM_001350450.2); c.2689+10A>G (NM_001350458.2); and 54 more.
Identifiers: ClinVar variation 2840047 (VCV002840047.3), dbSNP rs2552254747, ClinGen allele CA2578667551.
Genomic context (GRCh38, chr6:72,398,360, plus strand): 5'-TCATTAGAGCACGAAGCCTCACACAAAAGCCTGGTTCCAAATCTACACCTGGTAAGGAGA[A>G]GTATTCCTGAATTTGGTGAAGGGACTATTTAATAGGCAAACAAATAAAAACATTTGCTGC-3'

ClinVar aggregate classification (germline): Uncertain significance (1 of 4 stars; one submission).

Submission:

Labcorp Genetics (formerly Invitae), Labcorp
Classification: Uncertain significance. Last evaluated: 2023-05-12. Review status: criteria provided, single submitter. Criteria: Invitae Variant Classification Sherloc (09022015). Collection method: clinical testing. Allele origin: germline.
Comment: Algorithms developed to predict the effect of sequence changes on RNA splicing suggest that this variant may create or strengthen a splice site. This variant has not been reported in the literature in individuals affected with RIMS1-related conditions. This variant is not present in population databases (gnomAD no frequency). This sequence change falls in intron 32 of the RIMS1 gene. It does not directly change the encoded amino acid sequence of the RIMS1 protein. In summary, the available evidence is currently insufficient to determine the role of this variant in disease. Therefore, it has been classified as a Variant of Uncertain Significance.